The following is an entry in ClinVar:

NM_001105206.3(LAMA4):c.713G>C (p.Cys238Ser)

Gene: LAMA4 (laminin subunit alpha 4; minus strand). Cytogenetic location: 6q21.
Variant type: single nucleotide variant.
Coding change: c.713G>C on transcript NM_001105206.3 (MANE Select); coding-DNA position 713, G replaced by C.
Protein change: p.Cys238Ser; replaces cysteine 238 with serine.
Molecular consequence: missense variant.
Genome position (GRCh38, 1-based): chr6:112,191,641, C>G on the plus strand (G>C on the coding strand, the complement: LAMA4 is on the minus strand). VCF-style: chr6-112191641-C-G. GRCh37 (hg19) VCF-style: chr6-112512843-C-G.
Other names: c.713G>C, p.Cys238Ser (NM_001105207.3, NM_002290.5); short protein forms C238S.
Identifiers: ClinVar variation 2715087 (VCV002715087.3), dbSNP rs1172245542, ClinGen allele CA365377726.

ClinVar aggregate classification (germline): Uncertain significance (1 of 4 stars; one submission).

Conditions:
Dilated cardiomyopathy 1JJ (CMD1JJ). Identifiers: Orphanet 154, MedGen C3808935, MONDO:0014095, OMIM 615235.

Allele frequency attached by ClinVar (database versions not stated): gnomAD exomes below 0.00001; TOPMed 0.00005.
gnomAD v4.1: 1 of 1,612,838 alleles (0.000062%); highest among the groups gnomAD compares: Admixed American, 0.0017%; no homozygotes.

Submission:

Labcorp Genetics (formerly Invitae), Labcorp
Classification: Uncertain significance for Dilated cardiomyopathy 1JJ. Last evaluated: 2023-10-27. Review status: criteria provided, single submitter. Criteria: Invitae Variant Classification Sherloc (09022015). Collection method: clinical testing. Allele origin: germline.
Comment: This sequence change replaces cysteine, which is neutral and slightly polar, with serine, which is neutral and polar, at codon 238 of the LAMA4 protein (p.Cys238Ser). This variant is not present in population databases (gnomAD no frequency). This variant has not been reported in the literature in individuals affected with LAMA4-related conditions. An algorithm developed to predict the effect of missense changes on protein structure and function (PolyPhen-2) suggests that this variant is likely to be disruptive. In summary, the available evidence is currently insufficient to determine the role of this variant in disease. Therefore, it has been classified as a Variant of Uncertain Significance.